The following is an entry in ClinVar:

NM_004100.5(EYA4):c.1694G>A (p.Gly565Glu)

Genes: EYA4 (EYA transcriptional coactivator and phosphatase 4; plus strand), TARID (TCF21 antisense RNA inducing promoter demethylation; minus strand). Cytogenetic location: 6q23.2.
Variant type: single nucleotide variant.
Coding change: c.1694G>A on transcript NM_004100.5 (MANE Select); coding-DNA position 1694, G replaced by A.
Protein change: p.Gly565Glu; replaces glycine 565 with glutamic acid.
Molecular consequence: missense variant.
Genome position (GRCh38, 1-based): chr6:133,523,133, G>A. VCF-style: chr6-133523133-G-A. GRCh37 (hg19) VCF-style: chr6-133844271-G-A.
Other names: c.1532G>A, p.Gly511Glu (NM_001301012.2); c.1712G>A, p.Gly571Glu (NM_001301013.2); c.1625G>A, p.Gly542Glu (NM_001370458.1, NM_172103.4); c.1550G>A, p.Gly517Glu (NM_001370459.1); c.1694G>A, p.Gly565Glu (NM_172105.4); short protein forms G511E, G517E, G542E, G565E, G571E.
Identifiers: ClinVar variation 4537741 (VCV004537741.1).
Genomic context (GRCh38, chr6:133,523,133, plus strand): 5'-TCTTGGTAACGACAACTCAACTGATCCCAGCACTTGCGAAGGTTCTACTCTATAGTTTAG[G>A]AGGTGCTTTCCCCATTGAGAATATTTACAGTGCAACTAAAATAGGTAAGGAAATTATTTT-3'
Protein context (NP_004091.3, residues 555-575): ALAKVLLYSL[Gly565Glu]GAFPIENIYS

ClinVar aggregate classification (germline): Uncertain significance (1 of 4 stars; one submission).

Submission:

GeneDx
Classification: Uncertain significance. Last evaluated: 2025-06-13. Review status: criteria provided, single submitter. Criteria: GeneDx Variant Classification Process June 2021. Collection method: clinical testing. Allele origin: germline. Affected: yes.
Comment: Not observed at significant frequency in large population cohorts (gnomAD); In silico analysis supports that this missense variant has a deleterious effect on protein structure/function; Has not been previously published as pathogenic or benign to our knowledge